The following is an entry in ClinVar:

ClinVar aggregate classification (germline): Pathogenic (1 of 4 stars; one submission).

Conditions:
Hereditary factor XI deficiency disease. Also called: PLASMA THROMBOPLASTIN ANTECEDENT DEFICIENCY; PTA DEFICIENCY; ROSENTHAL SYNDROME; Congenital factor XI deficiency. Identifiers: Orphanet 329, MedGen C0015523, MeSH D005173, MONDO:0012897, OMIM 612416.

Submission:

Myriad Genetics, Inc.
Classification: Pathogenic for Hereditary factor XI deficiency disease. Last evaluated: 2024-05-14. Review status: criteria provided, single submitter. Criteria: Myriad Autosomal Dominant, Autosomal Recessive and X-Linked Classification Criteria (2023). Collection method: clinical testing. Allele origin: unknown.
Comment: NM_000128.3(F11):c.1357G>T(E453*) is expected to be pathogenic in the context of factor XI deficiency. This variant is predicted to lead to an abnormal or absent protein product due to the creation of a premature termination codon in F11, a gene where loss-of-function variants are known to be pathogenic. Please note: this variant was assessed in the context of healthy population screening.

NM_000128.4(F11):c.1357G>T (p.Glu453Ter)

Gene: F11 (coagulation factor XI; plus strand). Cytogenetic location: 4q35.2.
Variant type: single nucleotide variant.
Coding change: c.1357G>T on transcript NM_000128.4 (MANE Select); coding-DNA position 1357, G replaced by T.
Protein change: p.Glu453Ter; replaces glutamic acid 453 with a stop codon.
Molecular consequence: nonsense.
Genome position (GRCh38, 1-based): chr4:186,285,690, G>T. VCF-style: chr4-186285690-G-T. GRCh37 (hg19) VCF-style: chr4-187206844-G-T.
Other names: c.1309G>T, p.Glu437Ter (NM_001440590.1, NM_001440596.1); c.1357G>T, p.Glu453Ter (NM_001440593.1); c.1087G>T, p.Glu363Ter (NM_001440605.1, NM_001440607.1); c.1039G>T, p.Glu347Ter (NM_001440606.1, NM_001440608.1); short protein forms E347*, E363*, E437*, E453*.
Identifiers: ClinVar variation 5013286 (VCV005013286.1).
Genomic context (GRCh38, chr4:186,285,690, plus strand): 5'-CTCCTTAGGGTAGAGTCACCTAAGATTTTGCGTGTCTACAGTGGCATTTTAAATCAATCT[G>T]AAATAAAAGAGGACACATCTTTCTTTGGGGTTCAAGAAATAATAATCCATGATCAGTATA-3'